The following is an entry in ClinVar:

ClinVar aggregate classification (germline): Uncertain significance (1 of 4 stars; one submission).

Allele frequency attached by ClinVar (database versions not stated): gnomAD exomes below 0.00001; gnomAD 0.00001; TOPMed 0.00001.
gnomAD v4.1: 2 of 1,613,906 alleles (0.00012%); highest among the groups gnomAD compares: Non-Finnish European, 0.00017%; no homozygotes.

Submission:

Labcorp Genetics (formerly Invitae), Labcorp
Classification: Uncertain significance. Last evaluated: 2019-12-22. Review status: criteria provided, single submitter. Criteria: Invitae Variant Classification Sherloc (09022015). Collection method: clinical testing. Allele origin: germline.
Comment: In summary, the available evidence is currently insufficient to determine the role of this variant in disease. Therefore, it has been classified as a Variant of Uncertain Significance. Algorithms developed to predict the effect of missense changes on protein structure and function are either unavailable or do not agree on the potential impact of this missense change (SIFT: "Deleterious"; PolyPhen-2: "Probably Damaging"; Align-GVGD: "Class C0"). This variant has not been reported in the literature in individuals with SZT2-related conditions. This variant is not present in population databases (ExAC no frequency). This sequence change replaces glycine with serine at codon 1823 of the SZT2 protein (p.Gly1823Ser). The glycine residue is highly conserved and there is a small physicochemical difference between glycine and serine.

NM_001365999.1(SZT2):c.5638G>A (p.Gly1880Ser)

Gene: SZT2 (SZT2 subunit of KICSTOR complex; plus strand). Cytogenetic location: 1p34.2.
Variant type: single nucleotide variant.
Coding change: c.5638G>A on transcript NM_001365999.1 (MANE Select); coding-DNA position 5638, G replaced by A.
Protein change: p.Gly1880Ser; replaces glycine 1880 with serine.
Molecular consequence: missense variant.
Genome position (GRCh38, 1-based): chr1:43,433,024, G>A. VCF-style: chr1-43433024-G-A. GRCh37 (hg19) VCF-style: chr1-43898695-G-A.
Other names: c.5467G>A, p.Gly1823Ser (NM_015284.4); short protein forms G1823S, G1880S.
Identifiers: ClinVar variation 856257 (VCV000856257.9), dbSNP rs1335736748, ClinGen allele CA340025986.